The following is an entry in ClinVar:

NM_001267550.2(TTN):c.42252A>G (p.Ile14084Met)

Gene: TTN (titin; minus strand). Cytogenetic location: 2q31.2.
Variant type: single nucleotide variant.
Coding change: c.42252A>G on transcript NM_001267550.2 (MANE Select); coding-DNA position 42252, A replaced by G.
Protein change: p.Ile14084Met; replaces isoleucine 14084 with methionine.
Molecular consequence: missense variant.
Genome position (GRCh38, 1-based): chr2:178,634,529, T>C on the plus strand (A>G on the coding strand, the complement: TTN is on the minus strand). VCF-style: chr2-178634529-T-C. GRCh37 (hg19) VCF-style: chr2-179499256-T-C.
Other names: c.37329A>G, p.Ile12443Met (NM_001256850.1); c.15057A>G, p.Ile5019Met (NM_003319.4); c.34548A>G, p.Ile11516Met (NM_133378.4); c.15432A>G, p.Ile5144Met (NM_133432.3); c.15633A>G, p.Ile5211Met (NM_133437.4); short protein forms I11516M, I12443M, I14084M, I5019M, I5144M, I5211M.
Identifiers: ClinVar variation 1698596 (VCV001698596.2), dbSNP rs1163597313, ClinGen allele CA349655347.

ClinVar aggregate classification (germline): Uncertain significance (1 of 4 stars; one submission).

Allele frequency attached by ClinVar (database versions not stated): gnomAD exomes 0.00001; gnomAD 0.00001.
gnomAD v4.1: 7 of 1,613,278 alleles (0.00043%); highest among the groups gnomAD compares: Admixed American, 0.0033%; no homozygotes.

Submission:

Women's Health and Genetics/Laboratory Corporation of America, LabCorp
Classification: Uncertain significance. Last evaluated: 2026-06-22. Review status: criteria provided, single submitter. Criteria: LabCorp Variant Classification Summary - May 2015. Collection method: clinical testing. Allele origin: germline.
Comment: Variant summary: TTN c.34548A>G (p.Ile11516Met) results in a conservative amino acid change located in the I-band domain of the encoded protein sequence. Algorithms developed to predict the effect of missense changes on protein structure and function are either unavailable or do not agree on the potential impact of this missense change. The variant allele was found at a frequency of 8.1e-06 in 248276 control chromosomes. The available data on variant occurrences in the general population are insufficient to allow any conclusion about variant significance. To our knowledge, no occurrence of c.34548A>G in individuals affected with TTN-related conditions and no experimental evidence demonstrating its impact on protein function have been reported. ClinVar contains an entry for this variant (Variation ID: 1698596). Based on the evidence outlined above, the variant was classified as uncertain significance.

Literature cited by the submitters: PubMed 28767663.